The following is an entry in ClinVar:

ClinVar aggregate classification (germline): Conflicting classifications of pathogenicity. Review status: criteria provided, conflicting classifications (1 of 4 stars). 2 submissions from 2 submitters: Likely pathogenic (1); Uncertain significance (1). Last evaluated 2024-10-22.

Conditions:
Bardet-Biedl syndrome (BBS). Identifiers: Orphanet 110, MedGen C0752166, MONDO:0015229.

Allele frequency attached by ClinVar (database versions not stated): gnomAD exomes below 0.00001.

Submissions (2):

Women's Health and Genetics/Laboratory Corporation of America, LabCorp
Classification: Uncertain significance. Last evaluated: 2024-10-22. Review status: criteria provided, single submitter. Criteria: LabCorp Variant Classification Summary - May 2015. Collection method: clinical testing. Allele origin: germline.
Comment: Variant summary: MKKS c.1235G>T (p.Cys412Phe) results in a non-conservative amino acid change in the encoded protein sequence. Four of five in-silico tools predict a damaging effect of the variant on protein function. The variant allele was found at a frequency of 4e-06 in 251344 control chromosomes. c.1235G>T has been reported in the literature in individuals affected with Bardet-Biedl Syndrome (Manara_2019). These data indicate that the variant may be associated with disease. To our knowledge, no experimental evidence demonstrating an impact on protein function has been reported. The following publication have been ascertained in the context of this evaluation (PMID: 31196119). ClinVar contains an entry for this variant (Variation ID: 625450). Based on the evidence outlined above, the variant was classified as VUS-possibly pathogenic.

MAGI'S LAB - Medical Genetics Laboratory, MAGI GROUP
Classification: Likely pathogenic for Bardet-Biedl syndrome. Last evaluated: 2018-10-01. Review status: criteria provided, single submitter. Criteria: ACMG Guidelines, 2015. Collection method: clinical testing. Allele origin: germline. Affected: yes.

Literature cited by the submitters: PubMed 31196119 (cited by Women's Health and Genetics/Laboratory Corporation of America, LabCorp); PubMed 10973238 (cited by MAGI'S LAB - Medical Genetics Laboratory, MAGI GROUP).

NM_170784.3(MKKS):c.1235G>T (p.Cys412Phe)

Gene: MKKS (MKKS centrosomal shuttling protein; minus strand). Cytogenetic location: 20p12.2.
Variant type: single nucleotide variant.
Coding change: c.1235G>T on transcript NM_170784.3 (MANE Select); coding-DNA position 1235, G replaced by T.
Protein change: p.Cys412Phe; replaces cysteine 412 with phenylalanine.
Molecular consequence: missense variant. On other transcripts: non-coding transcript variant (1).
Genome position (GRCh38, 1-based): chr20:10,407,653, C>A on the plus strand (G>T on the coding strand, the complement: MKKS is on the minus strand). VCF-style: chr20-10407653-C-A. GRCh37 (hg19) VCF-style: chr20-10388301-C-A.
Other names: c.1235G>T, p.Cys412Phe (NM_018848.3); short protein forms C412F.
Identifiers: ClinVar variation 625450 (VCV000625450.3), dbSNP rs1396840386, ClinGen allele CA408231354.
Genomic context (GRCh38, chr20:10,407,653, plus strand): 5'-CCGAAGAGGATTATCTTACATACCTTGTGTCTGATATATGCAGCCAAATGAGTTTCAGTA[C>A]AGCCACCTCCCAACAAAGCCCATGGTTCCTTGAGTGTTAACTGCAGGACATGCAGTGCCG-3'
Protein context (NP_740754.1, residues 402-422): KEPWALLGGG[Cys412Phe]TETHLAAYIR